The following is an entry in ClinVar:

ClinVar aggregate classification (germline): Uncertain significance (1 of 4 stars; one submission).

Conditions:
Dyskeratosis congenita, autosomal dominant 2. Identifiers: MedGen C3151443, MONDO:0013521, OMIM 613989.
Idiopathic Pulmonary Fibrosis. Also called: Idiopathic fibrosing alveolitis, chronic form; idiopathic fibrosing alveolitis. Identifiers: Orphanet 2032, MedGen C1800706, MeSH D054990, MONDO:0800504.

Submission:

Labcorp Genetics (formerly Invitae), Labcorp
Classification: Uncertain significance for Dyskeratosis congenita, autosomal dominant 2; Idiopathic Pulmonary Fibrosis. Last evaluated: 2019-05-23. Review status: criteria provided, single submitter. Criteria: Invitae Variant Classification Sherloc (09022015). Collection method: clinical testing. Allele origin: germline.
Comment: In summary, the available evidence is currently insufficient to determine the role of this variant in disease. Therefore, it has been classified as a Variant of Uncertain Significance. Algorithms developed to predict the effect of missense changes on protein structure and function are either unavailable or do not agree on the potential impact of this missense change (SIFT: "Tolerated"; PolyPhen-2: "Possibly Damaging"; Align-GVGD: "Class C0"). This variant has not been reported in the literature in individuals with TERT-related conditions. This variant is not present in population databases (ExAC no frequency). This sequence change replaces cysteine with tyrosine at codon 740 of the TERT protein (p.Cys740Tyr). The cysteine residue is moderately conserved and there is a large physicochemical difference between cysteine and tyrosine.

NM_198253.3(TERT):c.2219G>A (p.Cys740Tyr)

Gene: TERT (telomerase reverse transcriptase; minus strand). Cytogenetic location: 5p15.33.
Variant type: single nucleotide variant.
Coding change: c.2219G>A on transcript NM_198253.3 (MANE Select); coding-DNA position 2219, G replaced by A.
Protein change: p.Cys740Tyr; replaces cysteine 740 with tyrosine.
Molecular consequence: missense variant. On other transcripts: non-coding transcript variant (2).
Genome position (GRCh38, 1-based): chr5:1,278,708, C>T on the plus strand (G>A on the coding strand, the complement: TERT is on the minus strand). VCF-style: chr5-1278708-C-T. GRCh37 (hg19) VCF-style: chr5-1278823-C-T.
Other names: c.2219G>A, p.Cys740Tyr (NM_001193376.3); short protein forms C740Y.
Identifiers: ClinVar variation 941861 (VCV000941861.10), dbSNP rs1749788238, ClinGen allele CA359079248.